The following is an entry in ClinVar:

NM_001367624.2(ZNF469):c.252C>G (p.Ser84Arg)

Gene: ZNF469 (zinc finger protein 469; plus strand). Cytogenetic location: 16q24.2.
Variant type: single nucleotide variant.
Coding change: c.252C>G on transcript NM_001367624.2 (MANE Select); coding-DNA position 252, C replaced by G.
Protein change: p.Ser84Arg; replaces serine 84 with arginine.
Molecular consequence: missense variant.
Genome position (GRCh38, 1-based): chr16:88,427,722, C>G. VCF-style: chr16-88427722-C-G. GRCh37 (hg19) VCF-style: chr16-88494130-C-G.
Other names: short protein forms S84R.
Identifiers: ClinVar variation 4526156 (VCV004526156.1).

ClinVar aggregate classification (germline): Uncertain significance (1 of 4 stars; one submission).

Submission:

Women's Health and Genetics/Laboratory Corporation of America, LabCorp
Classification: Uncertain significance. Last evaluated: 2025-07-28. Review status: criteria provided, single submitter. Criteria: LabCorp Variant Classification Summary - May 2015. Collection method: clinical testing. Allele origin: germline.
Comment: Variant summary: ZNF469 c.252C>G (p.Ser84Arg) results in a non-conservative amino acid change in the encoded protein sequence. Algorithms developed to predict the effect of missense changes on protein structure and function are either unavailable or do not agree on the potential impact of this missense change. The frequency data for this variant in gnomAD is considered unreliable, as metrics indicate poor data quality at this position. To our knowledge, no occurrence of c.252C>G in individuals affected with Brittle cornea syndrome 1 and no experimental evidence demonstrating its impact on protein function have been reported. No submitters have cited clinical-significance assessments for this variant to ClinVar. Based on the evidence outlined above, the variant was classified as uncertain significance.